The following is an entry in ClinVar:

NM_001122681.2(SH3BP2):c.558_572del (p.Asp187_Pro191del)

Gene: SH3BP2 (SH3 domain binding protein 2; plus strand). Cytogenetic location: 4p16.3.
Variant type: Deletion.
Coding change: c.558_572del on transcript NM_001122681.2 (MANE Select); coding-DNA positions 558 to 572, 15 bases deleted (TGACTCCCCGGAGCC).
Protein change: p.Asp187_Pro191del.
Molecular consequence: inframe deletion.
Genome position (GRCh38, 1-based): chr4:2,827,646-2,827,660, TGACTCCCCGGAGCC deleted; deleting any 15 consecutive bases within chr4:2,827,640-2,827,660 gives the same sequence; the c. name uses the placement nearest the transcript's 3' end. VCF-style (leftmost placement, unchanged base first): chr4-2827639-TGGAGCCTGACTCCCC-T. GRCh37 (hg19) VCF-style: chr4-2829366-TGGAGCCTGACTCCCC-T.
Other names: c.642_656del, p.Asp215_Pro219del (NM_001145855.2); c.729_743del, p.Asp244_Pro248del (NM_001145856.2); c.558_572del, p.Asp187_Pro191del (NM_003023.4); c.558_572del15 (NM_003023.4).
Identifiers: ClinVar variation 4999884 (VCV004999884.1).

ClinVar aggregate classification (germline): Uncertain significance (1 of 4 stars; one submission).

Conditions:
SH3BP2-related disorder. Also called: SH3BP2-related condition.

Submission:

PreventionGenetics, part of Exact Sciences
Classification: Uncertain significance for SH3BP2-related condition. Last evaluated: 2025-07-07. Review status: criteria provided, single submitter. Criteria: ACMG Guidelines, 2015. Collection method: clinical testing. Allele origin: germline.
Comment: The SH3BP2 c.558_572del15 variant is predicted to result in an in-frame deletion (p.Asp187_Pro191del). To our knowledge, this variant has not been reported in the literature or in a large population database (gnomAD), indicating this variant is rare. At this time, the clinical significance of this variant is uncertain due to the absence of conclusive functional and genetic evidence.